The following is an entry in ClinVar:

NM_000138.5(FBN1):c.6871+1G>T

Gene: FBN1 (fibrillin 1; minus strand). Cytogenetic location: 15q21.1.
Variant type: single nucleotide variant.
Coding change: c.6871+1G>T on transcript NM_000138.5 (MANE Select); the canonical splice donor site of the intron after coding-DNA position 6871, G replaced by T.
Molecular consequence: splice donor variant.
Genome position (GRCh38, 1-based): chr15:48,430,670, C>A on the plus strand (G>T on the coding strand, the complement: FBN1 is on the minus strand). VCF-style: chr15-48430670-C-A. GRCh37 (hg19) VCF-style: chr15-48722867-C-A.
Other names: c.6871+1G>T (NM_001406716.1).
Identifiers: ClinVar variation 200095 (VCV000200095.10), dbSNP rs1555394753, ClinGen allele CA016783.

ClinVar aggregate classification (germline): Pathogenic (1 of 4 stars; one submission).

Conditions:
Marfan syndrome (MFS). Also called: Marfan syndrome, classic; FBN1-Related Marfan Syndrome; Marfan syndrome type 1; Marfan's syndrome; MARFAN SYNDROME, TYPE I. Identifiers: Orphanet 284963, Orphanet 558, MedGen C0024796, MONDO:0007947, OMIM 154700.
Familial thoracic aortic aneurysm and aortic dissection (TAAD). Also called: Thoracic aortic aneurysms and dissections. Identifiers: Orphanet 91387, MedGen C4707243, MONDO:0019625.

Submission:

Labcorp Genetics (formerly Invitae), Labcorp
Classification: Pathogenic for Marfan syndrome; Familial thoracic aortic aneurysm and aortic dissection. Last evaluated: 2022-07-12. Review status: criteria provided, single submitter. Criteria: Invitae Variant Classification Sherloc (09022015). Collection method: clinical testing. Allele origin: germline.
Comment: This sequence change affects a donor splice site in intron 56 of the FBN1 gene. It is expected to disrupt RNA splicing. Variants that disrupt the donor or acceptor splice site typically lead to a loss of protein function (PMID: 16199547), and loss-of-function variants in FBN1 are known to be pathogenic (PMID: 17657824, 19293843). This variant is not present in population databases (gnomAD no frequency). Disruption of this splice site has been observed in individual(s) with Marfan syndrome (PMID: 19293843). ClinVar contains an entry for this variant (Variation ID: 200095). Algorithms developed to predict the effect of sequence changes on RNA splicing suggest that this variant may disrupt the consensus splice site. For these reasons, this variant has been classified as Pathogenic.

Literature cited by the submitters: PubMed 16199547; PubMed 17657824; PubMed 19293843.